The following is an entry in ClinVar:

ClinVar aggregate classification (germline): Uncertain significance (1 of 4 stars; one submission).

Allele frequency attached by ClinVar (database versions not stated): gnomAD exomes below 0.00001 and 0.00001; gnomAD 0.00001; TOPMed 0.00001.
gnomAD v4.1: 15 of 1,614,068 alleles (0.00093%); highest among the groups gnomAD compares: East Asian, 0.0022%; no homozygotes.

Submission:

Women's Health and Genetics/Laboratory Corporation of America, LabCorp
Classification: Uncertain significance. Last evaluated: 2021-07-27. Review status: criteria provided, single submitter. Criteria: LabCorp Variant Classification Summary - May 2015. Collection method: clinical testing. Allele origin: germline.
Comment: Variant summary: LIG3 c.382T>G (p.Ser128Ala) results in a conservative amino acid change located in the Zinc finger, PARP-type domain of the encoded protein sequence. Four of five in-silico tools predict a benign effect of the variant on protein function. The variant allele was found at a frequency of 4e-06 in 251488 control chromosomes. The available data on variant occurrences in the general population are insufficient to allow any conclusion about variant significance. To our knowledge, no occurrence of c.382T>G in individuals affected with Long QT Syndrome and no experimental evidence demonstrating its impact on protein function have been reported. No clinical diagnostic laboratories have submitted clinical-significance assessments for this variant to ClinVar after 2014. Based on the evidence outlined above, the variant was classified as uncertain significance.

NM_013975.4(LIG3):c.382T>G (p.Ser128Ala)

Gene: LIG3 (DNA ligase 3; plus strand). Cytogenetic location: 17q12.
Variant type: single nucleotide variant.
Coding change: c.382T>G on transcript NM_013975.4 (MANE Select); coding-DNA position 382, T replaced by G.
Protein change: p.Ser128Ala; replaces serine 128 with alanine.
Molecular consequence: missense variant.
Genome position (GRCh38, 1-based): chr17:34,983,387, T>G. VCF-style: chr17-34983387-T-G. GRCh37 (hg19) VCF-style: chr17-33310406-T-G.
Other names: c.382T>G, p.Ser128Ala (NM_002311.5); short protein forms S128A.
Identifiers: ClinVar variation 1192246 (VCV001192246.1), dbSNP rs1021764612, ClinGen allele CA289938173.